The following is an entry in ClinVar:

ClinVar aggregate classification (germline): Uncertain significance. Review status: criteria provided, multiple submitters, no conflicts (2 of 4 stars). 2 submissions from 2 submitters: Uncertain significance (2). Last evaluated 2022-10-04.

Allele frequency attached by ClinVar (database versions not stated): TOPMed below 0.00001; gnomAD 0.00001.

Submissions (2):

Labcorp Genetics (formerly Invitae), Labcorp
Classification: Uncertain significance. Last evaluated: 2022-10-04. Review status: criteria provided, single submitter. Criteria: Invitae Variant Classification Sherloc (09022015). Collection method: clinical testing. Allele origin: germline.
Comment: This sequence change creates a premature translational stop signal (p.Thr1142Lysfs*13) in the VCAN gene. It is expected to result in an absent or disrupted protein product. However, it is currently unclear if variants that occur in this region of the gene cause disease. In summary, the available evidence is currently insufficient to determine the role of this variant in disease. Therefore, it has been classified as a Variant of Uncertain Significance. ClinVar contains an entry for this variant (Variation ID: 1070221). This variant has not been reported in the literature in individuals affected with VCAN-related conditions. This variant is not present in population databases (gnomAD no frequency).

Blueprint Genetics
Classification: Uncertain significance. Last evaluated: 2020-09-10. Review status: criteria provided, single submitter. Criteria: ACMG Guidelines, 2015. Collection method: clinical testing. Allele origin: germline.

NM_004385.5(VCAN):c.3425del (p.Thr1142fs)

Gene: VCAN (versican; plus strand). Cytogenetic location: 5q14.3.
Variant type: Deletion.
Coding change: c.3425del on transcript NM_004385.5 (MANE Select); coding-DNA position 3425, one base deleted (C; older notation c.3425delC).
Protein change: p.Thr1142fs; shifts the reading frame from threonine 1142.
Molecular consequence: frameshift variant. On other transcripts: intron variant (2).
Genome position (GRCh38, 1-based): chr5:83,521,731, C deleted. VCF-style (leftmost placement, unchanged base first): chr5-83521730-AC-A. GRCh37 (hg19) VCF-style: chr5-82817549-AC-A.
Other names: c.3425del, p.Thr1142fs (NM_001164098.2); c.1042+9335del (NM_001164097.2, NM_001126336.3); short protein forms T1142fs.
Identifiers: ClinVar variation 1070221 (VCV001070221.9), dbSNP rs1451165395, ClinGen allele CA814680404.